The following is an entry in ClinVar:

ClinVar aggregate classification (germline): Uncertain significance (1 of 4 stars; one submission).

Conditions:
PLXNA2-related disorder. Also called: PLXNA2-related condition.

Allele frequency attached by ClinVar (database versions not stated): gnomAD exomes below 0.00001.
gnomAD v4.1: 4 of 1,614,018 alleles (0.00025%); highest among the groups gnomAD compares: Non-Finnish European, 0.00034%; no homozygotes.

Submission:

PreventionGenetics, part of Exact Sciences
Classification: Uncertain significance for PLXNA2-related condition. Last evaluated: 2023-09-19. Review status: criteria provided, single submitter. Criteria: ACMG Guidelines, 2015. Collection method: clinical testing. Allele origin: germline.
Comment: The PLXNA2 c.2861C>T variant is predicted to result in the amino acid substitution p.Pro954Leu. To our knowledge, this variant has not been reported in the literature. This variant is reported in 0.0065% of alleles in individuals of European (Non-Finnish) descent in gnomAD. At this time, the clinical significance of this variant is uncertain due to the absence of conclusive functional and genetic evidence.

NM_025179.4(PLXNA2):c.2861C>T (p.Pro954Leu)

Gene: PLXNA2 (plexin A2; minus strand). Cytogenetic location: 1q32.2.
Variant type: single nucleotide variant.
Coding change: c.2861C>T on transcript NM_025179.4 (MANE Select); coding-DNA position 2861, C replaced by T.
Protein change: p.Pro954Leu; replaces proline 954 with leucine.
Molecular consequence: missense variant.
Genome position (GRCh38, 1-based): chr1:208,052,459, G>A on the plus strand (C>T on the coding strand, the complement: PLXNA2 is on the minus strand). VCF-style: chr1-208052459-G-A. GRCh37 (hg19) VCF-style: chr1-208225804-G-A.
Other names: short protein forms P954L.
Identifiers: ClinVar variation 2634849 (VCV002634849.1), dbSNP rs1451392144, ClinGen allele CA344565489.
Genomic context (GRCh38, chr1:208,052,459, plus strand): 5'-ATGGTCACCATAGTGCCTCCTGACTCGGGACCTCGGATTGGGTTGAGTGACAGCACAGAA[G>A]GGTTCTTTGGAAAGAAGCAGAGAAATGACTACAGCTTAGGTTTTCTCCAAAAGGATGGAC-3'
Protein context (NP_079455.3, residues 944-964): KSHQQYTFVN[Pro954Leu]SVLSLNPIRG